The following is an entry in ClinVar:

ClinVar aggregate classification (germline): Uncertain significance (1 of 4 stars; one submission).

Conditions:
Hypertrophic cardiomyopathy 26. Also called: Cardiomyopathy, familial hypertrophic, 26. Identifiers: Orphanet 75249, MedGen C4310749, MONDO:0014883, OMIM 617047.

Submission:

Juno Genomics, Hangzhou Juno Genomics, Inc
Classification: Uncertain significance for Hypertrophic cardiomyopathy 26. Review status: criteria provided, single submitter. Criteria: ACMG Guidelines, 2015. Collection method: clinical testing. Allele origin: germline.
Comment: Absent from controls (or at extremely low frequency if recessive) in Genome Aggregation Database.;Missense variant in a gene that has a low rate of benign missense variation.

NM_001458.5(FLNC):c.2417C>T (p.Ala806Val)

Gene: FLNC (filamin C; plus strand). Cytogenetic location: 7q32.1.
Variant type: single nucleotide variant.
Coding change: c.2417C>T on transcript NM_001458.5 (MANE Select); coding-DNA position 2417, C replaced by T.
Protein change: p.Ala806Val; replaces alanine 806 with valine.
Molecular consequence: missense variant.
Genome position (GRCh38, 1-based): chr7:128,842,821, C>T. VCF-style: chr7-128842821-C-T. GRCh37 (hg19) VCF-style: chr7-128482875-C-T.
Other names: c.2417C>T, p.Ala806Val (NM_001127487.2); short protein forms A806V.
Identifiers: ClinVar variation 5007155 (VCV005007155.2).